The following is an entry in ClinVar:

ClinVar aggregate classification (germline): Pathogenic (1 of 4 stars; one submission).

Conditions:
RAI1-related disorder. Also called: RAI1-related condition.

Submission:

PreventionGenetics, part of Exact Sciences
Classification: Pathogenic for RAI1-related condition. Last evaluated: 2026-02-22. Review status: criteria provided, single submitter. Criteria: ACMG Guidelines, 2015. Collection method: clinical testing. Allele origin: germline.
Comment: The RAI1 c.2276dupG variant is predicted to result in a frameshift and premature protein termination (p.Leu760Ilefs*27). To our knowledge, this variant has not been reported in the literature or in a large population database (gnomAD), indicating this variant is rare. De novo frameshift variants in RAI1 are expected to be pathogenic. This variant is interpreted as pathogenic.

NM_030665.4(RAI1):c.2276dup (p.Leu760fs)

Gene: RAI1 (retinoic acid induced 1; plus strand). Cytogenetic location: 17p11.2.
Variant type: Duplication.
Coding change: c.2276dup on transcript NM_030665.4 (MANE Select); coding-DNA position 2276, one base duplicated (G; older notation c.2276dupG).
Protein change: p.Leu760fs; shifts the reading frame from leucine 760.
Molecular consequence: frameshift variant.
Genome position (GRCh38, 1-based): chr17:17,795,224, G duplicated; the last of 4 consecutive G bases (chr17:17,795,221-17,795,224); duplicating any one gives the same sequence. VCF-style (leftmost placement, unchanged base first): chr17-17795220-T-TG. GRCh37 (hg19) VCF-style: chr17-17698534-T-TG.
Other names: short protein forms L760fs.
Identifiers: ClinVar variation 4995014 (VCV004995014.1).